The following is an entry in ClinVar:

ClinVar aggregate classification (germline): Uncertain significance (1 of 4 stars; one submission).

Submission:

GeneDx
Classification: Uncertain significance. Last evaluated: 2024-05-15. Review status: criteria provided, single submitter. Criteria: GeneDx Variant Classification Process June 2021. Collection method: clinical testing. Allele origin: germline. Affected: yes.
Comment: Not observed at significant frequency in large population cohorts (gnomAD); In silico analysis supports that this missense variant has a deleterious effect on protein structure/function; Has not been previously published as pathogenic or benign to our knowledge

NM_000719.7(CACNA1C):c.4685T>G (p.Leu1562Arg)

Genes: CACNA1C (calcium voltage-gated channel subunit alpha1 C; plus strand), CACNA1C-AS2 (CACNA1C antisense RNA 2; minus strand). Cytogenetic location: 12p13.33.
Variant type: single nucleotide variant.
Coding change: c.4685T>G on transcript NM_000719.7 (MANE Select); coding-DNA position 4685, T replaced by G.
Protein change: p.Leu1562Arg; replaces leucine 1562 with arginine.
Molecular consequence: missense variant. On other transcripts: non-coding transcript variant (1).
Genome position (GRCh38, 1-based): chr12:2,668,994, T>G. VCF-style: chr12-2668994-T-G. GRCh37 (hg19) VCF-style: chr12-2778160-T-G.
Other names: c.4829T>G, p.Leu1610Arg (NM_001129827.2, NM_199460.4); c.4751T>G, p.Leu1584Arg (NM_001129829.2); c.4685T>G, p.Leu1562Arg (NM_001129830.3, NM_001129833.2, NM_001129834.2 and 7 more transcripts); c.4769T>G, p.Leu1590Arg (NM_001129831.2); c.4745T>G, p.Leu1582Arg (NM_001129832.2); c.4736T>G, p.Leu1579Arg (NM_001129836.2); c.4652T>G, p.Leu1551Arg (NM_001129837.2, NM_001129838.2, NM_001129846.2 and 1 more transcripts); c.4646T>G, p.Leu1549Arg (NM_001129839.2); and 1 more; short protein forms L1549R, L1551R, L1559R, L1562R, L1579R, L1582R, L1584R, L1590R.
Identifiers: ClinVar variation 3377923 (VCV003377923.1).